The following is an entry in ClinVar:

NM_000057.4(BLM):c.1925del (p.Glu642fs)

Gene: BLM (BLM RecQ like helicase; plus strand). Cytogenetic location: 15q26.1.
Variant type: Deletion.
Coding change: c.1925del on transcript NM_000057.4 (MANE Select); coding-DNA position 1925, one base deleted (A; older notation c.1925delA).
Protein change: p.Glu642fs; shifts the reading frame from glutamic acid 642.
Molecular consequence: frameshift variant.
Genome position (GRCh38, 1-based): chr15:90,763,008, A deleted. VCF-style (leftmost placement, unchanged base first): chr15-90763007-GA-G. GRCh37 (hg19) VCF-style: chr15-91306237-GA-G.
Other names: c.1925del, p.Glu642fs (NM_001287246.2, NM_001287247.2); c.800del, p.Glu267fs (NM_001287248.2); short protein forms E267fs, E642fs.
Identifiers: ClinVar variation 1782759 (VCV001782759.3), dbSNP rs2505434603, ClinGen allele CA2580090485.

ClinVar aggregate classification (germline): Pathogenic. Review status: criteria provided, multiple submitters, no conflicts (2 of 4 stars). 2 submissions from 2 submitters: Pathogenic (2). Last evaluated 2026-08-10.

Conditions:
Hereditary cancer-predisposing syndrome. Also called: Hereditary neoplastic syndrome; Neoplastic Syndromes, Hereditary; Tumor predisposition; Hereditary Cancer Syndrome. Identifiers: Orphanet 140162, MedGen C0027672, MeSH D009386, MONDO:0015356.
Bloom syndrome (BLM). Also called: Bloom-Torre-Machacek syndrome. Identifiers: Orphanet 125, MedGen C0005859, MONDO:0008876, OMIM 210900.

Submissions (2):

Myriad Genetics, Inc.
Classification: Pathogenic for Bloom syndrome. Last evaluated: 2026-08-10. Review status: criteria provided, single submitter. Criteria: Myriad Autosomal Dominant, Autosomal Recessive and X-Linked Classification Criteria (2023). Collection method: clinical testing. Allele origin: unknown.
Comment: This variant is considered pathogenic. This variant creates a frameshift predicted to result in premature protein truncation.

Ambry Genetics
Classification: Pathogenic for Hereditary cancer-predisposing syndrome. Last evaluated: 2022-06-28. Review status: criteria provided, single submitter. Criteria: Ambry Variant Classification Scheme 2023. Collection method: clinical testing. Allele origin: germline.
Comment: The c.1925delA pathogenic mutation, located in coding exon 7 of the BLM gene, results from a deletion of one nucleotide at nucleotide position 1925, causing a translational frameshift with a predicted alternate stop codon (p.E642Gfs*14). This alteration is expected to result in loss of function by premature protein truncation or nonsense-mediated mRNA decay. As such, this alteration is interpreted as a disease-causing mutation.